The following is an entry in ClinVar:

ClinVar aggregate classification (germline): Pathogenic/Likely pathogenic. Review status: criteria provided, multiple submitters, no conflicts (2 of 4 stars). 3 submissions from 3 submitters: Pathogenic (1); Likely pathogenic (2). Last evaluated 2024-06-24.

Conditions:
Glycine encephalopathy. Also called: Nonketotic hyperglycinemia; Non-ketotic hyperglycinemia. Identifiers: Orphanet 407, MedGen C0751748, MONDO:0011612, HP:0008288.
Glycine encephalopathy 1 (GCE1). Identifiers: MedGen CN376801, MONDO:0958179, OMIM 605899.

gnomAD v4.1: 1 of 1,613,892 alleles (0.000062%); highest among the groups gnomAD compares: Non-Finnish European, 0.000085%; no homozygotes.

Submissions (3):

Fulgent Genetics
Classification: Likely pathogenic for Glycine encephalopathy 1. Last evaluated: 2024-06-24. Review status: criteria provided, single submitter. Criteria: ACMG Guidelines, 2015. Collection method: clinical testing. Allele origin: germline.

Women's Health and Genetics/Laboratory Corporation of America, LabCorp
Classification: Likely pathogenic for Glycine encephalopathy. Last evaluated: 2024-06-21. Review status: criteria provided, single submitter. Criteria: LabCorp Variant Classification Summary - May 2015. Collection method: clinical testing. Allele origin: germline.
Comment: Variant summary: GLDC c.1889G>C (p.Arg630Pro) results in a non-conservative amino acid change located in the Aromatic amino acid beta-eliminating lyase/threonine aldolase domain (IPR001597) of the encoded protein sequence. Five of five in-silico tools predict a damaging effect of the variant on protein function. The variant was absent in 251458 control chromosomes. c.1889G>C has been reported in the literature in the compound heterozygous state in at least 1 individual affected with Glycine Encephalopathy (Non-Ketotic Hyperglycinemia) (example, Coughlin_2017, Swanson_2015, Swanson_2022). At least one publication reports experimental evidence evaluating an impact on protein function. The most pronounced variant effect results in ~10% of normal activity and reduced protein stability as determined by Western blotting (example, Swanson_2015). The following publications have been ascertained in the context of this evaluation (PMID: 27362913, 26179960, 35357708). ClinVar contains an entry for this variant (Variation ID: 462860). Based on the evidence outlined above, the variant was classified as likely pathogenic.

Labcorp Genetics (formerly Invitae), Labcorp
Classification: Pathogenic for Glycine encephalopathy. Last evaluated: 2022-02-08. Review status: criteria provided, single submitter. Criteria: Invitae Variant Classification Sherloc (09022015). Collection method: clinical testing. Allele origin: germline.
Comment: For these reasons, this variant has been classified as Pathogenic. Experimental studies have shown that this missense change affects GLDC function (PMID: 26179960). Advanced modeling of protein sequence and biophysical properties (such as structural, functional, and spatial information, amino acid conservation, physicochemical variation, residue mobility, and thermodynamic stability) performed at Invitae indicates that this missense variant is expected to disrupt GLDC protein function. ClinVar contains an entry for this variant (Variation ID: 462860). This missense change has been observed in individual(s) with nonketotic hyperglycinemia (PMID: 26179960; Invitae). In at least one individual the data is consistent with being in trans (on the opposite chromosome) from a pathogenic variant. This variant is not present in population databases (gnomAD no frequency). This sequence change replaces arginine, which is basic and polar, with proline, which is neutral and non-polar, at codon 630 of the GLDC protein (p.Arg630Pro).

Literature cited by the submitters: PubMed 26179960 (cited by Women's Health and Genetics/Laboratory Corporation of America, LabCorp and Labcorp Genetics (formerly Invitae), Labcorp); PubMed 27362913 (cited by Women's Health and Genetics/Laboratory Corporation of America, LabCorp); PubMed 35357708 (cited by Women's Health and Genetics/Laboratory Corporation of America, LabCorp).

NM_000170.3(GLDC):c.1889G>C (p.Arg630Pro)

Gene: GLDC (glycine decarboxylase; minus strand). Cytogenetic location: 9p24.1.
Variant type: single nucleotide variant.
Coding change: c.1889G>C on transcript NM_000170.3 (MANE Select); coding-DNA position 1889, G replaced by C.
Protein change: p.Arg630Pro; replaces arginine 630 with proline.
Molecular consequence: missense variant.
Genome position (GRCh38, 1-based): chr9:6,565,391, C>G on the plus strand (G>C on the coding strand, the complement: GLDC is on the minus strand). VCF-style: chr9-6565391-C-G. GRCh37 (hg19) VCF-style: chr9-6565391-C-G.
Other names: short protein forms R630P.
Identifiers: ClinVar variation 462860 (VCV000462860.9), dbSNP rs763517274, ClinGen allele CA372884488.